The following is an entry in ClinVar:

NM_000448.3(RAG1):c.2369C>G (p.Thr790Arg)

Gene: RAG1 (recombination activating 1; plus strand). Cytogenetic location: 11p12.
Variant type: single nucleotide variant.
Coding change: c.2369C>G on transcript NM_000448.3 (MANE Select); coding-DNA position 2369, C replaced by G.
Protein change: p.Thr790Arg; replaces threonine 790 with arginine.
Molecular consequence: missense variant.
Genome position (GRCh38, 1-based): chr11:36,575,673, C>G. VCF-style: chr11-36575673-C-G. GRCh37 (hg19) VCF-style: chr11-36597223-C-G.
Other names: c.2369C>G, p.Thr790Arg (NM_001377277.1, NM_001377278.1, NM_001377279.1 and 3 more transcripts); short protein forms T790R.
Identifiers: ClinVar variation 5016496 (VCV005016496.1).
Genomic context (GRCh38, chr11:36,575,673, plus strand): 5'-AGTCTGTGGAAGAACTGCGGGATCGGGTGAAAGGGGTCTCAGCTAAACCTTTCATTGAGA[C>G]AGTCCCTTCCATAGATGCACTCCACTGTGACATTGGCAATGCAGCTGAGTTCTACAAGAT-3'
Protein context (NP_000439.2, residues 780-800): KGVSAKPFIE[Thr790Arg]VPSIDALHCD

ClinVar aggregate classification (germline): Uncertain significance (1 of 4 stars; one submission).

Conditions:
Severe combined immunodeficiency, autosomal recessive, T cell-negative, B cell-negative, NK cell-positive. Also called: SCID, T CELL-NEGATIVE, B CELL-NEGATIVE, NK CELL-POSITIVE; SCID, AR, T-cell negative, B-cell negative, NK cell-positive; Severe combined immunodeficiency due to complete RAG1/2 deficiency. Identifiers: Orphanet 331206, MedGen C1832322, MONDO:0011086, OMIM 601457.

Submission:

Department of Medical Immunology, Beni Messous University Hospital Center
Classification: Uncertain significance for Severe combined immunodeficiency, autosomal recessive, T cell-negative, B cell-negative, NK cell-positive. Last evaluated: 2026-07-01. Review status: criteria provided, single submitter. Criteria: ACMG Guidelines, 2015. Collection method: clinical testing. Allele origin: germline. Inheritance: Autosomal recessive inheritance. Affected: yes. Observed: 1 variant allele, 1 homozygote.
Comment: RAG1 c.2369C>G (NM_000448.3, exon 2) is a homozygous missense variant predicted to change p.Thr790Arg, replacing a small, polar, uncharged threonine with a large, positively charged arginine, a substantial chemical shift, at a residue within the ZnC2 zinc-binding domain (719–791), a structural module important for zinc coordination and proper folding of the RAG1 core needed for its recombinase activity; the variant is absent from population databases (gnomAD 0) and unreported in ClinVar/HGMD, but all seven in silico predictors concordantly call it damaging, CADD 27.5, REVEL 0.8, SIFT "Deleterious" (0.00), PolyPhen-2 "Probably damaging" (0.998), MutationTaster "Disease causing," AlphaMissense 0.9379, and EVE 0.664, and despite this unanimous computational signal, ACMG/AMP guidelines treat such predictions as only "supporting" evidence, so without corroborating case reports, functional studies, or segregation data the variant remains classified as a VUS (Variant of Uncertain Significance) rather than pathogenic.

Literature cited by the submitters: DOI 10.70962/jhi.20260168.